The following is an entry in ClinVar:

NM_198578.4(LRRK2):c.1306C>T (p.Leu436=)

Gene: LRRK2 (leucine rich repeat kinase 2; plus strand). Cytogenetic location: 12q12.
Variant type: single nucleotide variant.
Coding change: c.1306C>T on transcript NM_198578.4 (MANE Select); coding-DNA position 1306, C replaced by T.
Protein change: p.Leu436=; no amino-acid change (leucine 436 retained).
Molecular consequence: synonymous variant.
Genome position (GRCh38, 1-based): chr12:40,257,265, C>T. VCF-style: chr12-40257265-C-T. GRCh37 (hg19) VCF-style: chr12-40651067-C-T.
Identifiers: ClinVar variation 2067647 (VCV002067647.4), dbSNP rs1005798899, ClinGen allele CA235360570.

ClinVar aggregate classification (germline): Uncertain significance (1 of 4 stars; one submission).

Conditions:
Autosomal dominant Parkinson disease 8. Also called: LRRK2-Related Parkinson Disease; Parkinson disease 8; Parkinson disease 8, susceptibility to. Identifiers: Orphanet 411602, MedGen C1846862, MONDO:0011764, OMIM 607060.

Allele frequency attached by ClinVar (database versions not stated): TOPMed below 0.00001; gnomAD 0.00001.

Submission:

Labcorp Genetics (formerly Invitae), Labcorp
Classification: Uncertain significance for Autosomal dominant Parkinson disease 8. Last evaluated: 2022-09-22. Review status: criteria provided, single submitter. Criteria: Invitae Variant Classification Sherloc (09022015). Collection method: clinical testing. Allele origin: germline.
Comment: This variant has not been reported in the literature in individuals affected with LRRK2-related conditions. In summary, the available evidence is currently insufficient to determine the role of this variant in disease. Therefore, it has been classified as a Variant of Uncertain Significance. Algorithms developed to predict the effect of sequence changes on RNA splicing suggest that this variant may disrupt the consensus splice site. This variant is not present in population databases (gnomAD no frequency). This sequence change affects codon 436 of the LRRK2 mRNA. It is a 'silent' change, meaning that it does not change the encoded amino acid sequence of the LRRK2 protein.